The following is an entry in ClinVar:

ClinVar aggregate classification (germline): Uncertain significance (1 of 4 stars; one submission).

Submission:

Labcorp Genetics (formerly Invitae), Labcorp
Classification: Uncertain significance. Last evaluated: 2024-02-24. Review status: criteria provided, single submitter. Criteria: Invitae Variant Classification Sherloc (09022015). Collection method: clinical testing. Allele origin: germline.
Comment: This sequence change replaces glutamic acid, which is acidic and polar, with aspartic acid, which is acidic and polar, at codon 666 of the VCAN protein (p.Glu666Asp). This variant is not present in population databases (gnomAD no frequency). This variant has not been reported in the literature in individuals affected with VCAN-related conditions. ClinVar contains an entry for this variant (Variation ID: 2107848). An algorithm developed to predict the effect of missense changes on protein structure and function (PolyPhen-2) suggests that this variant is likely to be disruptive. In summary, the available evidence is currently insufficient to determine the role of this variant in disease. Therefore, it has been classified as a Variant of Uncertain Significance.

NM_004385.5(VCAN):c.1998G>C (p.Glu666Asp)

Gene: VCAN (versican; plus strand). Cytogenetic location: 5q14.3.
Variant type: single nucleotide variant.
Coding change: c.1998G>C on transcript NM_004385.5 (MANE Select); coding-DNA position 1998, G replaced by C.
Protein change: p.Glu666Asp; replaces glutamic acid 666 with aspartic acid.
Molecular consequence: missense variant. On other transcripts: intron variant (2).
Genome position (GRCh38, 1-based): chr5:83,520,304, G>C. VCF-style: chr5-83520304-G-C. GRCh37 (hg19) VCF-style: chr5-82816123-G-C.
Other names: c.1998G>C, p.Glu666Asp (NM_001164098.2); c.1042+7908G>C (NM_001164097.2, NM_001126336.3); short protein forms E666D.
Identifiers: ClinVar variation 2107848 (VCV002107848.4), dbSNP rs1414684922, ClinGen allele CA360302520.